The following is an entry in ClinVar:

ClinVar aggregate classification (germline): Likely benign (1 of 4 stars; one submission).

gnomAD v4.1: 13 of 1,613,802 alleles (0.00081%); highest among the groups gnomAD compares: Non-Finnish European, 0.0011%; no homozygotes.

Submission:

CeGaT Center for Human Genetics Tuebingen
Classification: Likely benign. Last evaluated: 2026-03-01. Review status: criteria provided, single submitter. Criteria: CeGaT Center For Human Genetics Tuebingen Variant Classification Criteria Version 2. Collection method: clinical testing. Allele origin: germline. Affected: yes. Observed: 1 variant allele.
Comment: SON: BP1

NM_138927.4(SON):c.2610T>C (p.Thr870=)

Gene: SON (SON DNA and RNA binding protein; plus strand). Cytogenetic location: 21q22.11.
Variant type: single nucleotide variant.
Coding change: c.2610T>C on transcript NM_138927.4 (MANE Select); coding-DNA position 2610, T replaced by C.
Protein change: p.Thr870=; no amino-acid change (threonine 870 retained).
Molecular consequence: synonymous variant. On other transcripts: non-coding transcript variant (1), intron variant (1).
Genome position (GRCh38, 1-based): chr21:33,551,841, T>C. VCF-style: chr21-33551841-T-C. GRCh37 (hg19) VCF-style: chr21-34924147-T-C.
Other names: c.2610T>C, p.Thr870= (NM_001291411.2, NM_032195.3); c.245-5315T>C (NM_001291412.3).
Identifiers: ClinVar variation 4823779 (VCV004823779.4).